The following is an entry in ClinVar:

NM_170754.4(TNS2):c.1582C>G (p.Pro528Ala)

Gene: TNS2 (tensin 2; plus strand). Cytogenetic location: 12q13.13.
Variant type: single nucleotide variant.
Coding change: c.1582C>G on transcript NM_170754.4 (MANE Select); coding-DNA position 1582, C replaced by G.
Protein change: p.Pro528Ala; replaces proline 528 with alanine.
Molecular consequence: missense variant.
Genome position (GRCh38, 1-based): chr12:53,059,223, C>G. VCF-style: chr12-53059223-C-G. GRCh37 (hg19) VCF-style: chr12-53453007-C-G.
Other names: c.1582C>G, p.Pro528Ala (NM_001416202.1); c.1540C>G, p.Pro514Ala (NM_001416203.1); c.1609C>G, p.Pro537Ala (NM_001416204.1); c.1513C>G, p.Pro505Ala (NM_015319.3); c.1210C>G, p.Pro404Ala (NM_198316.2); short protein forms P538A, P404A, P528A, P505A, P514A, P537A.
Identifiers: ClinVar variation 2054155 (VCV002054155.6), dbSNP rs200403162, ClinGen allele CA6592405.

ClinVar aggregate classification (germline): Uncertain significance. Review status: criteria provided, multiple submitters, no conflicts (2 of 4 stars). 2 submissions from 2 submitters: Uncertain significance (2). Last evaluated 2026-01-12.

Allele frequency attached by ClinVar (database versions not stated): ExAC 0.00023; gnomAD exomes 0.00023; ESP Exome Variant Server 0.00031.
gnomAD v4.1: 379 of 1,554,168 alleles (0.024%); highest among the groups gnomAD compares: Non-Finnish European, 0.032%; 1 homozygote.

Submissions (2):

Labcorp Genetics (formerly Invitae), Labcorp
Classification: Uncertain significance. Last evaluated: 2026-01-12. Review status: criteria provided, single submitter. Criteria: Invitae Variant Classification Sherloc (09022015). Collection method: clinical testing. Allele origin: germline.
Comment: This sequence change replaces proline, which is neutral and non-polar, with alanine, which is neutral and non-polar, at codon 538 of the TNS2 protein (p.Pro538Ala). This variant is present in population databases (rs200403162, gnomAD 0.06%), and has an allele count higher than expected for a pathogenic variant. This variant has not been reported in the literature in individuals affected with TNS2-related conditions. ClinVar contains an entry for this variant (Variation ID: 2054155). An algorithm developed to predict the effect of missense changes on protein structure and function (PolyPhen-2) suggests that this variant is likely to be disruptive. In summary, the available evidence is currently insufficient to determine the role of this variant in disease. Therefore, it has been classified as a Variant of Uncertain Significance.

Ambry Genetics
Classification: Uncertain significance. Last evaluated: 2025-01-09. Review status: criteria provided, single submitter. Criteria: Ambry Variant Classification Scheme 2023. Collection method: clinical testing. Allele origin: germline.